The following is an entry in ClinVar:

ClinVar aggregate classification (germline): Pathogenic/Likely pathogenic. Review status: criteria provided, multiple submitters, no conflicts (2 of 4 stars). 5 submissions from 5 submitters: Pathogenic (3); Likely pathogenic (1). 1 of the submissions does not count toward it. Last evaluated 2025-11-10.

Conditions:
Childhood apraxia of speech (SPCH1). Also called: DEVELOPMENTAL VERBAL DYSPRAXIA; SPEECH AND LANGUAGE DISORDER WITH OROFACIAL DYSPRAXIA; FOXP2-Related Speech and Language Disorder; Speech language disorder. Identifiers: Orphanet 209908, MedGen C0750927, MONDO:0011184, OMIM 602081.

Submissions (5):

Institute of Human Genetics, Heidelberg University
Classification: Pathogenic for Childhood apraxia of speech. Last evaluated: 2025-11-10. Review status: criteria provided, single submitter. Criteria: ACMG Guidelines, 2015. Collection method: clinical testing. Allele origin: de novo. Affected: yes. Observed: 1 variant allele.
Comment: PS2_supp; PM2_supp; PVS1

Victorian Clinical Genetics Services, Murdoch Childrens Research Institute
Classification: Pathogenic for Childhood apraxia of speech. Last evaluated: 2023-07-17. Review status: criteria provided, single submitter. Criteria: ACMG Guidelines, 2015. Collection method: clinical testing. Allele origin: germline. Inheritance: Autosomal dominant inheritance. Affected: yes.
Comment: Based on the classification scheme VCGS_Germline_v1.3.4, this variant is classified as Pathogenic. Following criteria are met: 0102 - Loss of function is a known mechanism of disease in this gene and is associated with speech-language disorder-1 (MIM#602081). (I) 0107 - This gene is associated with autosomal dominant disease. (I) 0201 - Variant is predicted to cause nonsense-mediated decay (NMD) and loss of protein (premature termination codon is located at least 54 nucleotides upstream of the final exon-exon junction). (SP) 0251 - This variant is heterozygous. (I) 0301 - Variant is absent from gnomAD (both v2 and v3). (SP) 0701 - Other NMD predicted variants comparable to the one identified in this case have very strong previous evidence for pathogenicity (DECIPHER). (SP) 0802 - This variant has moderate previous evidence of pathogenicity in unrelated individuals. This variant has been classified as pathogenic and likely pathogenic by clinical laboratories in ClinVar. This variant has also been observed an infant with clinical features including failure to thrive, muscle weakness, ventricular septal defect, and hip dislocation. The variant was inherited from the mother, who was affected with autism (PMID: 30377382). (SP) 1007 - No published functional evidence has been identified for this variant. (I) Legend: (SP) - Supporting pathogenic, (I) - Information, (SB) - Supporting benign

GeneDx
Classification: Pathogenic. Last evaluated: 2022-10-08. Review status: criteria provided, single submitter. Criteria: GeneDx Variant Classification Process June 2021. Collection method: clinical testing. Allele origin: germline. Affected: yes.
Comment: Identified as p.R475*, using alternative nomenclature, in a patient with muscular weakness, developmental hip dislocation, ventricular septal defect, failure to thrive, and inguinal hernia who inherited the variant from their mother with autism (Basel-Salmon et al., 2019); Nonsense variant predicted to result in protein truncation or nonsense mediated decay in a gene for which loss-of-function is a known mechanism of disease; Not observed at significant frequency in large population cohorts (gnomAD); This variant is associated with the following publications: (PMID: 30377382)

Fulgent Genetics
Classification: Likely pathogenic for Childhood apraxia of speech. Last evaluated: 2021-07-13. Review status: criteria provided, single submitter. Criteria: ACMG Guidelines, 2015. Collection method: clinical testing. Allele origin: unknown.

The Raphael Recanati Genetics Institute, Rabin Medical Center
Classification: Pathogenic for Childhood apraxia of speech. Last evaluated: 2018-09-13. Review status: no assertion criteria provided. Collection method: clinical testing. Allele origin: maternal. Affected: yes. Observed: 2 variant alleles. Not counted in ClinVar's aggregate classification.

Literature cited by the submitters: PubMed 30377382 (cited by Victorian Clinical Genetics Services, Murdoch Childrens Research Institute).

NM_014491.4(FOXP2):c.1426C>T (p.Arg476Ter)

Gene: FOXP2 (forkhead box P2; plus strand). Cytogenetic location: 7q31.1.
Variant type: single nucleotide variant.
Coding change: c.1426C>T on transcript NM_014491.4 (MANE Select); coding-DNA position 1426, C replaced by T.
Protein change: p.Arg476Ter; replaces arginine 476 with a stop codon.
Molecular consequence: nonsense. On other transcripts: non-coding transcript variant (1).
Genome position (GRCh38, 1-based): chr7:114,658,225, C>T. VCF-style: chr7-114658225-C-T. GRCh37 (hg19) VCF-style: chr7-114298280-C-T.
Other names: c.1423C>T, p.Arg475Ter (NM_001172766.3); c.1501C>T, p.Arg501Ter (NM_148898.4); c.1477C>T, p.Arg493Ter (NM_148900.4); short protein forms R475*, R476*, R493*, R501*.
Identifiers: ClinVar variation 617625 (VCV000617625.8), dbSNP rs1178491246, ClinGen allele CA368965199.